The following is an entry in ClinVar:

NM_002470.4(MYH3):c.2532A>G (p.Ala844=)

Gene: MYH3 (myosin heavy chain 3; minus strand). Cytogenetic location: 17p13.1.
Variant type: single nucleotide variant.
Coding change: c.2532A>G on transcript NM_002470.4 (MANE Select); coding-DNA position 2532, A replaced by G.
Protein change: p.Ala844=; no amino-acid change (alanine 844 retained).
Molecular consequence: synonymous variant.
Genome position (GRCh38, 1-based): chr17:10,640,146, T>C on the plus strand (A>G on the coding strand, the complement: MYH3 is on the minus strand). VCF-style: chr17-10640146-T-C. GRCh37 (hg19) VCF-style: chr17-10543463-T-C.
Identifiers: ClinVar variation 129650 (VCV000129650.31), dbSNP rs2285469, ClinGen allele CA153777.

ClinVar aggregate classification (germline): Benign. Review status: criteria provided, multiple submitters, no conflicts (2 of 4 stars). 14 submissions from 10 submitters: Benign (11). 3 of the submissions do not count toward it. Last evaluated 2026-02-04.

Conditions:
Arthrogryposis, distal, type 2B3. Also called: Arthrogryposis, distal, type 2B3 (Sheldon-Hall). Identifiers: MedGen C5193098, MONDO:0032751, OMIM 618436.
Contractures, pterygia, and variable skeletal fusions syndrome 1B. Also called: CONTRACTURES, PTERYGIA, AND SPONDYLOCARPOTARSAL FUSION SYNDROME 1B. Identifiers: MedGen C5193114, MONDO:0020746, OMIM 618469.
Contractures, pterygia, and spondylocarpotarsal fusion syndrome 1A (CPSFS1A). Also called: MULTIPLE PTERYGIUM SYNDROME, AUTOSOMAL DOMINANT; Distal arthrogryposis type 8; Contractures, pterygia, and variable skeletal fusions syndrome 1A. Identifiers: Orphanet 65743, MedGen C1867440, MONDO:0008338, OMIM 178110.
Distal arthrogryposis type 2B1 (DA2B1). Also called: Arthrogryposis multiplex congenita distal type II with craniofacial abnormalities. Identifiers: Orphanet 1147, MedGen C5193014, MONDO:0020820, OMIM 601680.
Freeman-Sheldon syndrome (DA2A). Also called: CRANIOCARPOTARSAL DYSPLASIA; CRANIOCARPOTARSAL DYSTROPHY; Arthrogryposis, distal, type 2A (Freeman-Sheldon); WHISTLING FACE-WINDMILL VANE HAND SYNDROME. Identifiers: Orphanet 2053, MedGen C0265224, MONDO:0008675, OMIM 193700.

Allele frequency attached by ClinVar (database versions not stated): 1000 Genomes Project 30x 0.46346; 1000 Genomes Project 0.46645; TOPMed 0.54706; gnomAD 0.57164 and 0.57316; ESP Exome Variant Server 0.58204; ExAC 0.60852; gnomAD exomes 0.61023 and 0.68706.
gnomAD v4.1: 1,089,403 of 1,613,870 alleles (68%); highest among the groups gnomAD compares: Non-Finnish European, 73%; 379,839 homozygotes.

Submissions (14):

Labcorp Genetics (formerly Invitae), Labcorp
Classification: Benign. Last evaluated: 2026-02-04. Review status: criteria provided, single submitter. Criteria: Invitae Variant Classification Sherloc (09022015). Collection method: clinical testing. Allele origin: germline.

Genome-Nilou Lab
Classification: Benign for Freeman-Sheldon syndrome. Last evaluated: 2021-09-05. Review status: criteria provided, single submitter. Criteria: ACMG Guidelines, 2015. Collection method: clinical testing. Allele origin: germline. Affected: no.

Genome-Nilou Lab
Classification: Benign for Arthrogryposis, distal, type 2B3. Last evaluated: 2021-09-05. Review status: criteria provided, single submitter. Criteria: ACMG Guidelines, 2015. Collection method: clinical testing. Allele origin: germline. Affected: no.

Genome-Nilou Lab
Classification: Benign for Contractures, pterygia, and spondylocarpotarsal fusion syndrome 1A. Last evaluated: 2021-09-05. Review status: criteria provided, single submitter. Criteria: ACMG Guidelines, 2015. Collection method: clinical testing. Allele origin: germline. Affected: no.

Genome-Nilou Lab
Classification: Benign for Contractures, pterygia, and variable skeletal fusions syndrome 1B. Last evaluated: 2021-09-05. Review status: criteria provided, single submitter. Criteria: ACMG Guidelines, 2015. Collection method: clinical testing. Allele origin: germline. Affected: no.

Illumina Laboratory Services, Illumina
Classification: Benign for Distal arthrogryposis type 2B1. Last evaluated: 2018-01-12. Review status: criteria provided, single submitter. Criteria: ICSL Variant Classification Criteria 13 December 2019. Collection method: clinical testing. Allele origin: germline.
Comment: This variant was observed in the ICSL laboratory as part of a predisposition screen in an ostensibly healthy population. It had not been previously curated by ICSL or reported in the Human Gene Mutation Database (HGMD: prior to June 1st, 2018), and was therefore a candidate for classification through an automated scoring system. Utilizing variant allele frequency, disease prevalence and penetrance estimates, and inheritance mode, an automated score was calculated to assess if this variant is too frequent to cause the disease. Based on the score and internal cut-off values, a variant classified as benign is not then subjected to further curation. The score for this variant resulted in a classification of benign for this disease.

Illumina Laboratory Services, Illumina
Classification: Benign for Freeman-Sheldon syndrome. Last evaluated: 2018-01-12. Review status: criteria provided, single submitter. Criteria: ICSL Variant Classification Criteria 13 December 2019. Collection method: clinical testing. Allele origin: germline.
Comment: the same text as in the submission from Illumina Laboratory Services, Illumina above.

GeneDx
Classification: Benign. Last evaluated: 2015-08-18. Review status: criteria provided, single submitter. Criteria: GeneDx Variant Classification (06012015). Collection method: clinical testing. Allele origin: germline. Affected: yes.
Comment: This variant is considered likely benign or benign based on one or more of the following criteria: it is a conservative change, it occurs at a poorly conserved position in the protein, it is predicted to be benign by multiple in silico algorithms, and/or has population frequency not consistent with disease.

Genetic Services Laboratory, University of Chicago
Classification: Benign for AllHighlyPenetrant. Last evaluated: 2013-08-15. Review status: criteria provided, single submitter. Criteria: ACMG Guidelines, 2007. Collection method: clinical testing. Allele origin: germline. Inheritance: Autosomal dominant inheritance.

Breakthrough Genomics
Classification: Benign. Review status: criteria provided, single submitter. Criteria: ACMG Guidelines, 2015. Collection method: not provided. Allele origin: germline. Inheritance: Autosomal recessive inheritance. Affected: yes.

PreventionGenetics, part of Exact Sciences
Classification: Benign. Review status: criteria provided, single submitter. Criteria: ACMG Guidelines, 2015. Collection method: clinical testing. Allele origin: germline.

Clinical Genetics, Academic Medical Center
Classification: Benign. Review status: no assertion criteria provided. Collection method: clinical testing. Allele origin: germline. Affected: yes. Study: VKGL Data-share Consensus. Not counted in ClinVar's aggregate classification.

Diagnostic Laboratory, Department of Genetics, University Medical Center Groningen
Classification: Benign. Review status: no assertion criteria provided. Collection method: clinical testing. Allele origin: germline. Affected: yes. Study: VKGL Data-share Consensus. Not counted in ClinVar's aggregate classification.

Joint Genome Diagnostic Labs from Nijmegen and Maastricht, Radboudumc and MUMC+
Classification: Benign. Review status: no assertion criteria provided. Collection method: clinical testing. Allele origin: germline. Affected: yes. Study: VKGL Data-share Consensus. Not counted in ClinVar's aggregate classification.